The following is an entry in ClinVar:

ClinVar aggregate classification (germline): Benign. Review status: criteria provided, multiple submitters, no conflicts (2 of 4 stars). 2 submissions from 2 submitters: Benign (2). Last evaluated 2018-01-12.

Conditions:
Qualitative or quantitative defects of beta-sarcoglycan. Identifiers: Orphanet 207063, MedGen C2930900, MONDO:0016142.

Allele frequency attached by ClinVar (database versions not stated): 1000 Genomes Project 0.35523; 1000 Genomes Project 30x 0.35525; gnomAD 0.43452 and 0.43564; TOPMed 0.43457; gnomAD exomes 0.50000.
gnomAD v4.1: 66,510 of 152,124 alleles (44%); highest among the groups gnomAD compares: Non-Finnish European, 58%; 17,091 homozygotes.

Submissions (2):

Illumina Laboratory Services, Illumina
Classification: Benign for Qualitative or quantitative defects of beta-sarcoglycan. Last evaluated: 2018-01-12. Review status: criteria provided, single submitter. Criteria: ICSL Variant Classification Criteria 13 December 2019. Collection method: clinical testing. Allele origin: germline.
Comment: This variant was observed in the ICSL laboratory as part of a predisposition screen in an ostensibly healthy population. It had not been previously curated by ICSL or reported in the Human Gene Mutation Database (HGMD: prior to June 1st, 2018), and was therefore a candidate for classification through an automated scoring system. Utilizing variant allele frequency, disease prevalence and penetrance estimates, and inheritance mode, an automated score was calculated to assess if this variant is too frequent to cause the disease. Based on the score and internal cut-off values, a variant classified as benign is not then subjected to further curation. The score for this variant resulted in a classification of benign for this disease.

Breakthrough Genomics
Classification: Benign. Review status: criteria provided, single submitter. Criteria: ACMG Guidelines, 2015. Collection method: not provided. Allele origin: germline. Inheritance: Autosomal recessive inheritance. Affected: yes.

NM_000232.5(SGCB):c.*1566T>C

Gene: SGCB (sarcoglycan beta; minus strand). Cytogenetic location: 4q12.
Variant type: single nucleotide variant.
Coding change: c.*1566T>C on transcript NM_000232.5 (MANE Select); 1566 bases downstream of the stop codon, T replaced by C.
Molecular consequence: 3 prime UTR variant.
Genome position (GRCh38, 1-based): chr4:52,022,391, A>G on the plus strand (T>C on the coding strand, the complement: SGCB is on the minus strand). VCF-style: chr4-52022391-A-G. GRCh37 (hg19) VCF-style: chr4-52888557-A-G.
Identifiers: ClinVar variation 348865 (VCV000348865.7), dbSNP rs13989, ClinGen allele CA10618766.